The following is an entry in ClinVar:

NM_006261.5(PROP1):c.611del (p.Gly204fs)

Gene: PROP1 (PROP paired-like homeobox 1; minus strand). Cytogenetic location: 5q35.3.
Variant type: Deletion.
Coding change: c.611del on transcript NM_006261.5 (MANE Select); coding-DNA position 611, one base deleted (G; older notation c.611delG).
Protein change: p.Gly204fs; shifts the reading frame from glycine 204.
Molecular consequence: frameshift variant.
Genome position (GRCh38, 1-based): chr5:177,992,779, C deleted on the plus strand (G on the coding strand, the reverse complement: PROP1 is on the minus strand); the first of 2 consecutive C bases (chr5:177,992,779-177,992,780); deleting either gives the same sequence. VCF-style (leftmost placement, unchanged base first): chr5-177992778-GC-G. GRCh37 (hg19) VCF-style: chr5-177419779-GC-G.
Other names: c.611delG (NM_006261.4); c.611del (NM_006261.4); short protein forms G204fs.
Identifiers: ClinVar variation 557824 (VCV000557824.7), dbSNP rs1554182368, ClinGen allele CA658822670.
Genomic context (GRCh38, chr5:177,992,778, plus strand): 5'-GGACTTGGATGGCTCAAGGCTGAGGGGGAGCATGGGAGGGGGTGGGGGGCAGGGCAGATG[GC>G]CGGCAGGGGCTGGGTGCAAGGTAGGGTACCAGTCCTCAGACTGGTGTGACAAAGCAAAGG-3'

ClinVar aggregate classification (germline): Conflicting classifications of pathogenicity. Review status: criteria provided, conflicting classifications (1 of 4 stars). 5 submissions from 5 submitters: Likely pathogenic (3); Uncertain significance (1). 1 of the submissions does not count toward it. Last evaluated 2025-11-14.

Conditions:
Pituitary hormone deficiency, combined, 2. Also called: PROP1-Related Combined Pituitary Hormone Deficiency; ATELIOTIC DWARFISM WITH HYPOGONADISM; HANHART DWARFISM; PITUITARY DWARFISM III. Identifiers: MedGen C0878683, MONDO:0009878, OMIM 262600.

Submissions (5):

Myriad Genetics, Inc.
Classification: Uncertain significance for Pituitary hormone deficiency, combined, 2. Last evaluated: 2025-11-14. Review status: criteria provided, single submitter. Criteria: Myriad Autosomal Dominant, Autosomal Recessive and X-Linked Classification Criteria (2023). Collection method: clinical testing. Allele origin: unknown.
Comment: NM_006261.4(PROP1):c.611delG(G204Afs*32) is a frameshift variant that results in protein elongation classified as a variant of uncertain significance in the context of combined pituitary hormone deficiency, PROP1-related. G204Afs*32 has not been observed in cases with relevant disease. Relevant functional assessments of this variant are not available in the literature. G204Afs*32 has not been observed in referenced population frequency databases. In summary, there is insufficient evidence to classify NM_006261.4(PROP1):c.611delG(G204Afs*32) as pathogenic or benign. Please note: this variant was assessed in the context of healthy population screening.

Natera, Inc.
Classification: Likely pathogenic for Combined pituitary hormone deficiency type 2. Last evaluated: 2025-06-05. Review status: criteria provided, single submitter. Criteria: Natera Variant Classification Schema (03/2026). Collection method: clinical testing. Allele origin: germline.
Comment: The c.611del variant in PROP1 is a frameshift variant predicted to elongate the protein beyond the termination codon. This variant is expected to result in nonsense mediated decay, truncation, or a dysfunctional protein product. This variant is rare in the general population with a frequency below the threshold expected for the associated phenotype(s). Given the available evidence, this variant is classified as Likely Pathogenic.

Fulgent Genetics
Classification: Likely pathogenic for Pituitary hormone deficiency, combined, 2. Last evaluated: 2024-03-04. Review status: criteria provided, single submitter. Criteria: ACMG Guidelines, 2015. Collection method: clinical testing. Allele origin: germline.

Baylor Genetics
Classification: Likely pathogenic for Pituitary hormone deficiency, combined, 2. Last evaluated: 2023-12-21. Review status: criteria provided, single submitter. Criteria: ACMG Guidelines, 2015. Collection method: clinical testing. Allele origin: unknown.

Counsyl
Classification: Uncertain significance for Pituitary hormone deficiency, combined, 2. Last evaluated: 2018-04-09. Review status: no assertion criteria provided. Collection method: clinical testing. Allele origin: unknown. Not counted in ClinVar's aggregate classification.

Literature cited by the submitters: PubMed 16735499 (cited by Counsyl).